The following is an entry in ClinVar:

ClinVar aggregate classification (germline): Uncertain significance (1 of 4 stars; one submission).

Allele frequency attached by ClinVar (database versions not stated): gnomAD exomes below 0.00001.

Submission:

Labcorp Genetics (formerly Invitae), Labcorp
Classification: Uncertain significance. Last evaluated: 2021-02-26. Review status: criteria provided, single submitter. Criteria: Invitae Variant Classification Sherloc (09022015). Collection method: clinical testing. Allele origin: germline.
Comment: This sequence change replaces lysine with glutamine at codon 692 of the CNGA3 protein (p.Lys692Gln). The lysine residue is moderately conserved and there is a small physicochemical difference between lysine and glutamine. This variant is not present in population databases (ExAC no frequency). This variant has not been reported in the literature in individuals with CNGA3-related conditions. Advanced modeling of protein sequence and biophysical properties (such as structural, functional, and spatial information, amino acid conservation, physicochemical variation, residue mobility, and thermodynamic stability) performed at Invitae indicates that this missense variant is not expected to disrupt CNGA3 protein function. In summary, the available evidence is currently insufficient to determine the role of this variant in disease. Therefore, it has been classified as a Variant of Uncertain Significance.

NM_001298.3(CNGA3):c.2074A>C (p.Lys692Gln)

Gene: CNGA3 (cyclic nucleotide gated channel subunit alpha 3; plus strand). Cytogenetic location: 2q11.2.
Variant type: single nucleotide variant.
Coding change: c.2074A>C on transcript NM_001298.3 (MANE Select); coding-DNA position 2074, A replaced by C.
Protein change: p.Lys692Gln; replaces lysine 692 with glutamine.
Molecular consequence: missense variant.
Genome position (GRCh38, 1-based): chr2:98,397,244, A>C. VCF-style: chr2-98397244-A-C. GRCh37 (hg19) VCF-style: chr2-99013707-A-C.
Other names: c.2020A>C, p.Lys674Gln (NM_001079878.2); short protein forms K674Q, K692Q.
Identifiers: ClinVar variation 1512986 (VCV001512986.7), dbSNP rs916233309, ClinGen allele CA52636167.